The following is an entry in ClinVar:

ClinVar aggregate classification (germline): Benign/Likely benign. Review status: criteria provided, multiple submitters, no conflicts (2 of 4 stars). 3 submissions from 3 submitters: Benign (1); Likely benign (2). Last evaluated 2025-02-07.

Conditions:
Hereditary cancer-predisposing syndrome. Also called: Hereditary Cancer Syndrome; Hereditary neoplastic syndrome; Neoplastic Syndromes, Hereditary; Tumor predisposition. Identifiers: Orphanet 140162, MedGen C0027672, MeSH D009386, MONDO:0015356.
POLD1-related polyposis and colorectal cancer syndrome (CRCS10). Also called: Colorectal cancer, susceptibility to, 10; Colorectal cancer 10; COLORECTAL CANCER, SUSCEPTIBILITY TO, ON CHROMOSOME 19q. Identifiers: Orphanet 220460, MedGen C2675481, MONDO:0012953, OMIM 612591.

Allele frequency attached by ClinVar (database versions not stated): TOPMed below 0.00001.

Submissions (3):

Myriad Genetics, Inc.
Classification: Benign for POLD1-related polyposis and colorectal cancer syndrome. Last evaluated: 2025-02-07. Review status: criteria provided, single submitter. Criteria: Myriad Autosomal Dominant, Autosomal Recessive and X-Linked Classification Criteria (2023). Collection method: clinical testing. Allele origin: unknown.
Comment: This variant is considered benign. This variant is a silent/synonymous amino acid change and it is not expected to impact splicing.

Labcorp Genetics (formerly Invitae), Labcorp
Classification: Likely benign for POLD1-related polyposis and colorectal cancer syndrome. Last evaluated: 2023-08-30. Review status: criteria provided, single submitter. Criteria: Invitae Variant Classification Sherloc (09022015). Collection method: clinical testing. Allele origin: germline.

Ambry Genetics
Classification: Likely benign for Hereditary cancer-predisposing syndrome. Last evaluated: 2015-11-06. Review status: criteria provided, single submitter. Criteria: Ambry Variant Classification Scheme 2023. Collection method: clinical testing. Allele origin: germline.

NM_002691.4(POLD1):c.1629C>T (p.Leu543=)

Gene: POLD1 (DNA polymerase delta 1, catalytic subunit; plus strand). Cytogenetic location: 19q13.33.
Variant type: single nucleotide variant.
Coding change: c.1629C>T on transcript NM_002691.4 (MANE Select); coding-DNA position 1629, C replaced by T.
Protein change: p.Leu543=; no amino-acid change (leucine 543 retained).
Molecular consequence: synonymous variant. On other transcripts: non-coding transcript variant (1).
Genome position (GRCh38, 1-based): chr19:50,407,117, C>T. VCF-style: chr19-50407117-C-T. GRCh37 (hg19) VCF-style: chr19-50910374-C-T.
Other names: c.1629C>T, p.Leu543= (NM_001256849.1, NM_001308632.1).
Identifiers: ClinVar variation 750504 (VCV000750504.13), dbSNP rs1601219755, ClinGen allele CA508184050.
Genomic context (GRCh38, chr19:50,407,117, plus strand): 5'-GGAGCGGCTCATGGTGCTGGTGAACGCCGTGGAGATGGCGAGGGTCACTGGCGTGCCCCT[C>T]AGCTACCTGCTCAGTCGTGGCCAGCAGGTCAAGGTCGTATCCCAGCTGTTGCGGCAGGTC-3'
Protein context (NP_002682.2, residues 533-553): VEMARVTGVP[Leu543=]SYLLSRGQQV